The following is an entry in ClinVar:

NM_015443.4(KANSL1):c.3091-18C>G

Gene: KANSL1 (KAT8 regulatory NSL complex subunit 1). Cytogenetic location: 17q21.31.
Variant type: single nucleotide variant.
Coding change: c.3091-18C>G on transcript NM_015443.4 (MANE Select); 18 bases into the intron before coding-DNA position 3091, C replaced by G.
Molecular consequence: intron variant.
Genome position (GRCh38, 1-based): chr17:46,031,721, G>C on the plus strand (C>G on the coding strand, the complement: KANSL1 is on the minus strand). VCF-style: chr17-46031721-G-C. GRCh37 (hg19) VCF-style: chr17-44109087-G-C.
Other names: c.3088-18C>G (NM_001193465.2); c.3091-18C>G (NM_001379198.1, NM_001193466.2).
Identifiers: ClinVar variation 137972 (VCV000137972.11), dbSNP rs186216018, ClinGen allele CA291711.

ClinVar aggregate classification (germline): Benign/Likely benign. Review status: criteria provided, multiple submitters, no conflicts (2 of 4 stars). 4 submissions from 4 submitters: Benign (3); Likely benign (1). Last evaluated 2026-02-03.

Conditions:
Koolen-de Vries syndrome (KDVS). Identifiers: Orphanet 96169, MedGen C1864871, MONDO:0012496, OMIM 610443.

Allele frequency attached by ClinVar (database versions not stated): gnomAD exomes 0.00014 and 0.00051; ExAC 0.00085; gnomAD 0.00178 and 0.00195; ESP Exome Variant Server 0.00192; TOPMed 0.00218; 1000 Genomes Project 30x 0.00234; 1000 Genomes Project 0.00260.
gnomAD v4.1: 501 of 1,576,264 alleles (0.032%); highest among the groups gnomAD compares: African/African-American, 0.6%; 2 homozygotes.

Submissions (4):

Labcorp Genetics (formerly Invitae), Labcorp
Classification: Benign for Koolen-de Vries syndrome. Last evaluated: 2026-02-03. Review status: criteria provided, single submitter. Criteria: Invitae Variant Classification Sherloc (09022015). Collection method: clinical testing. Allele origin: germline.

Blueprint Genetics
Classification: Likely benign. Last evaluated: 2024-11-13. Review status: criteria provided, single submitter. Criteria: ACMG Guidelines, 2015. Collection method: clinical testing. Allele origin: germline.

Fulgent Genetics
Classification: Benign for Koolen-de Vries syndrome. Last evaluated: 2021-08-16. Review status: criteria provided, single submitter. Criteria: ACMG Guidelines, 2015. Collection method: clinical testing. Allele origin: unknown.

GeneDx
Classification: Benign. Last evaluated: 2014-02-11. Review status: criteria provided, single submitter. Criteria: GeneDx Variant Classification (06012015). Collection method: clinical testing. Allele origin: germline. Affected: yes.
Comment: This variant is considered likely benign or benign based on one or more of the following criteria: it is a conservative change, it occurs at a poorly conserved position in the protein, it is predicted to be benign by multiple in silico algorithms, and/or has population frequency not consistent with disease.